The following is an entry in ClinVar:

NM_006265.3(RAD21):c.1528C>G (p.Pro510Ala)

Gene: RAD21 (RAD21 cohesin complex component; minus strand). Cytogenetic location: 8q24.11.
Variant type: single nucleotide variant.
Coding change: c.1528C>G on transcript NM_006265.3 (MANE Select); coding-DNA position 1528, C replaced by G.
Protein change: p.Pro510Ala; replaces proline 510 with alanine.
Molecular consequence: missense variant.
Genome position (GRCh38, 1-based): chr8:116,850,710, G>C on the plus strand (C>G on the coding strand, the complement: RAD21 is on the minus strand). VCF-style: chr8-116850710-G-C. GRCh37 (hg19) VCF-style: chr8-117862949-G-C.
Other names: short protein forms P510A.
Identifiers: ClinVar variation 2994143 (VCV002994143.3), dbSNP rs2537287798, ClinGen allele CA371996590.

ClinVar aggregate classification (germline): Uncertain significance (1 of 4 stars; one submission).

Conditions:
Cornelia de Lange syndrome 4 (CDLS4). Also called: RAD21-Related Cornelia de Lange Syndrome; CORNELIA DE LANGE SYNDROME 4 WITH OR WITHOUT MIDLINE BRAIN DEFECTS. Identifiers: Orphanet 199, MedGen C3553517, MONDO:0013864, OMIM 614701.

Submission:

Labcorp Genetics (formerly Invitae), Labcorp
Classification: Uncertain significance for Cornelia de Lange syndrome 4. Last evaluated: 2023-03-17. Review status: criteria provided, single submitter. Criteria: Invitae Variant Classification Sherloc (09022015). Collection method: clinical testing. Allele origin: germline.
Comment: This variant has not been reported in the literature in individuals affected with RAD21-related conditions. In summary, the available evidence is currently insufficient to determine the role of this variant in disease. Therefore, it has been classified as a Variant of Uncertain Significance. An algorithm developed to predict the effect of missense changes on protein structure and function (PolyPhen-2) suggests that this variant is likely to be tolerated. This variant is not present in population databases (gnomAD no frequency). This sequence change replaces proline, which is neutral and non-polar, with alanine, which is neutral and non-polar, at codon 510 of the RAD21 protein (p.Pro510Ala).